The following is an entry in ClinVar:

NM_130837.3(OPA1):c.388A>G (p.Ser130Gly)

Gene: OPA1 (OPA1 mitochondrial dynamin like GTPase; plus strand). Cytogenetic location: 3q29.
Variant type: single nucleotide variant.
Coding change: c.388A>G on transcript NM_130837.3 (MANE Select); coding-DNA position 388, A replaced by G.
Protein change: p.Ser130Gly; replaces serine 130 with glycine.
Molecular consequence: missense variant.
Genome position (GRCh38, 1-based): chr3:193,615,710, A>G. VCF-style: chr3-193615710-A-G. GRCh37 (hg19) VCF-style: chr3-193333499-A-G.
Other names: c.16A>G, p.Ser6Gly (NM_001354663.2, NM_001354664.2); c.388A>G, p.Ser130Gly (NM_015560.3, NM_130831.3, NM_130832.3 and 4 more transcripts); short protein forms S130G, S6G.
Identifiers: ClinVar variation 3370723 (VCV003370723.1).

ClinVar aggregate classification (germline): Uncertain significance (1 of 4 stars; one submission).

gnomAD v4.1: 4 of 1,612,326 alleles (0.00025%); highest among the groups gnomAD compares: Non-Finnish European, 0.00034%; no homozygotes.

Submission:

GeneDx
Classification: Uncertain significance. Last evaluated: 2024-03-13. Review status: criteria provided, single submitter. Criteria: GeneDx Variant Classification Process June 2021. Collection method: clinical testing. Allele origin: germline. Affected: yes.
Comment: Not observed at significant frequency in large population cohorts (gnomAD); In silico analysis supports that this missense variant has a deleterious effect on protein structure/function; Has not been previously published as pathogenic or benign to our knowledge